The following is an entry in ClinVar:

ClinVar aggregate classification (germline): Likely pathogenic (1 of 4 stars; one submission).

Submission:

Labcorp Genetics (formerly Invitae), Labcorp
Classification: Likely pathogenic. Last evaluated: 2023-08-16. Review status: criteria provided, single submitter. Criteria: Invitae Variant Classification Sherloc (09022015). Collection method: clinical testing. Allele origin: unknown.
Comment: This variant results in a copy number gain of the genomic region encompassing exon(s) 8 of the ATP2B2 gene. While the exact position of this variant cannot be determined from the data, sub-genic copy number gains are generally in tandem (PMID: 25640679). This variant is predicted to be out-of-frame, and may result in an absent or disrupted protein product. Loss-of-function variants in ATP2B2 are known to be pathogenic (PMID: 30535804). This variant has not been reported in the literature in individuals affected with ATP2B2-related conditions. In summary, the currently available evidence indicates that the variant is pathogenic, but additional data are needed to prove that conclusively. Therefore, this variant has been classified as Likely Pathogenic.

Literature cited by the submitters: PubMed 25640679; PubMed 30535804.

NC_000003.11:g.(?_10417094)_(10417348_?)dup

Gene: ATP2B2 (ATPase plasma membrane Ca2+ transporting 2; minus strand). Cytogenetic location: 3p25.3.
Variant type: Duplication.
Identifiers: ClinVar variation 3246977 (VCV003246977.1).